The following is an entry in ClinVar:

NM_000256.3(MYBPC3):c.2543del (p.Ala848fs)

Gene: MYBPC3 (myosin binding protein C3; minus strand). Cytogenetic location: 11p11.2.
Variant type: Deletion.
Coding change: c.2543del on transcript NM_000256.3 (MANE Select); coding-DNA position 2543, one base deleted (C; older notation c.2543delC).
Protein change: p.Ala848fs; shifts the reading frame from alanine 848.
Molecular consequence: frameshift variant.
Genome position (GRCh38, 1-based): chr11:47,337,450, G deleted on the plus strand (C on the coding strand, the reverse complement: MYBPC3 is on the minus strand). VCF-style (leftmost placement, unchanged base first): chr11-47337449-CG-C. GRCh37 (hg19) VCF-style: chr11-47359000-CG-C.
Other names: c.2543del, p.Ala848fs (LRG_386t1); c.2543delC (NM_000256.3); short protein forms A848fs.
Identifiers: ClinVar variation 181151 (VCV000181151.1), dbSNP rs730880715, ClinGen allele CA012582.

ClinVar aggregate classification (germline): Pathogenic (1 of 4 stars; one submission).

Conditions:
Cardiomyopathy (CMYO). Also called: Cardiomyopathies. Identifiers: Orphanet 167848, MedGen C0878544, MONDO:0004994, HP:0001638. Inheritance: Various modes of inheritance.

Submission:

GeneDx
Classification: Pathogenic for Cardiomyopathy. Last evaluated: 2011-12-13. Review status: criteria provided, single submitter. Criteria: GeneDx Variant Classification (06012015). Collection method: clinical testing. Allele origin: germline. Affected: yes.
Comment: A deletion of one nucleotide (C) in exon 25 of the MYBPC3 gene. The normal sequence with the base that is deleted in braces is: TACG{C}GGTC. This mutation is denoted c.2543delC at the cDNA level or p.Ala848GlyfsX31 at the protein level. The c.2543delC mutation in the MYBPC3 gene causes a shift in reading frame starting at codon Alanine 848, changing it to a Glycine, and creates a premature stop codon at position 31 of the new reading frame. Although this mutation has not been reported previously to our knowledge, it is expected to result in an abnormal, truncated protein or in absence of protein from this allele due to mRNA decay, and therefore is interpreted to be a disease-causing mutation. The variant is found in HCM panel(s).